The following is an entry in ClinVar:

NM_002900.3(RBP3):c.2067C>A (p.Asp689Glu)

Gene: RBP3 (retinol binding protein 3; plus strand). Cytogenetic location: 10q11.22.
Variant type: single nucleotide variant.
Coding change: c.2067C>A on transcript NM_002900.3 (MANE Select); coding-DNA position 2067, C replaced by A.
Protein change: p.Asp689Glu; replaces aspartic acid 689 with glutamic acid.
Molecular consequence: missense variant.
Genome position (GRCh38, 1-based): chr10:47,350,551, C>A. VCF-style: chr10-47350551-C-A. GRCh37 (hg19) VCF-style: chr10-48388811-G-T.
Other names: c.2067C>A (NM_002900.2); short protein forms D689E.
Identifiers: ClinVar variation 1052314 (VCV001052314.6), dbSNP rs1555211402, ClinGen allele CA376672012.

ClinVar aggregate classification (germline): Uncertain significance. Review status: criteria provided, multiple submitters, no conflicts (2 of 4 stars). 2 submissions from 2 submitters: Uncertain significance (2). Last evaluated 2023-11-27.

Conditions:
Inborn genetic diseases. Identifiers: MedGen C0950123, MeSH D030342.

gnomAD v4.1: 21 of 1,612,988 alleles (0.0013%); highest among the groups gnomAD compares: Non-Finnish European, 0.0017%; no homozygotes.

Submissions (2):

Labcorp Genetics (formerly Invitae), Labcorp
Classification: Uncertain significance. Last evaluated: 2023-11-27. Review status: criteria provided, single submitter. Criteria: Invitae Variant Classification Sherloc (09022015). Collection method: clinical testing. Allele origin: germline.
Comment: This sequence change replaces aspartic acid, which is acidic and polar, with glutamic acid, which is acidic and polar, at codon 689 of the RBP3 protein (p.Asp689Glu). The frequency data for this variant in the population databases is considered unreliable, as metrics indicate poor data quality at this position in the gnomAD database. This variant has not been reported in the literature in individuals affected with RBP3-related conditions. ClinVar contains an entry for this variant (Variation ID: 1052314). An algorithm developed to predict the effect of missense changes on protein structure and function (PolyPhen-2) suggests that this variant¬†is likely to be tolerated. In summary, the available evidence is currently insufficient to determine the role of this variant in disease. Therefore, it has been classified as a Variant of Uncertain Significance.

Ambry Genetics
Classification: Uncertain significance for Inborn genetic diseases. Last evaluated: 2022-02-10. Review status: criteria provided, single submitter. Criteria: Ambry Variant Classification Scheme 2023. Collection method: clinical testing. Allele origin: germline.